The following is an entry in ClinVar:

ClinVar aggregate classification (germline): Uncertain significance (1 of 4 stars; one submission).

Conditions:
Inborn genetic diseases. Identifiers: MedGen C0950123, MeSH D030342.

gnomAD v4.1: 56 of 1,613,584 alleles (0.0035%); highest among the groups gnomAD compares: South Asian, 0.059%; 1 homozygote.

Submission:

Ambry Genetics
Classification: Uncertain significance for Inborn genetic diseases. Last evaluated: 2024-12-22. Review status: criteria provided, single submitter. Criteria: Ambry Variant Classification Scheme 2023. Collection method: clinical testing. Allele origin: germline.
Comment: The p.H1110R variant (also known as c.3329A>G), located in coding exon 15 of the MECOM gene, results from an A to G substitution at nucleotide position 3329. The histidine at codon 1110 is replaced by arginine, an amino acid with highly similar properties. This amino acid position is conserved. In addition, this alteration is predicted to be tolerated by in silico analysis. Based on the available evidence, the clinical significance of this variant remains unclear.

NM_004991.4(MECOM):c.3329A>G (p.His1110Arg)

Gene: MECOM (MDS1 and EVI1 complex locus; minus strand). Cytogenetic location: 3q26.2.
Variant type: single nucleotide variant.
Coding change: c.3329A>G on transcript NM_004991.4 (MANE Select); coding-DNA position 3329, A replaced by G.
Protein change: p.His1110Arg; replaces histidine 1110 with arginine.
Molecular consequence: missense variant.
Genome position (GRCh38, 1-based): chr3:169,090,072, T>C on the plus strand (A>G on the coding strand, the complement: MECOM is on the minus strand). VCF-style: chr3-169090072-T-C. GRCh37 (hg19) VCF-style: chr3-168807860-T-C.
Other names: c.2960A>G, p.His987Arg (NM_001105077.4); c.2765A>G, p.His922Arg (NM_001105078.4, NM_001205194.2, NM_001366469.2 and 1 more transcripts); c.2741A>G, p.His914Arg (NM_001163999.2, NM_001366470.2); c.2738A>G, p.His913Arg (NM_001164000.2, NM_001366471.2, NM_001366472.2); c.3302A>G, p.His1101Arg (NM_001366466.2); c.2768A>G, p.His923Arg (NM_001366467.2, NM_001366468.2); c.2330A>G, p.His777Arg (NM_001366473.2); c.1766A>G, p.His589Arg (NM_001366474.2); short protein forms H922R, H1101R, H1110R, H589R, H913R, H914R, H923R, H777R.
Identifiers: ClinVar variation 3871636 (VCV003871636.1).